The following is an entry in ClinVar:

NM_004006.3(DMD):c.2323A>G (p.Arg775Gly)

Gene: DMD (dystrophin; minus strand). Cytogenetic location: Xp21.1.
Variant type: single nucleotide variant.
Coding change: c.2323A>G on transcript NM_004006.3 (MANE Select); coding-DNA position 2323, A replaced by G.
Protein change: p.Arg775Gly; replaces arginine 775 with glycine.
Molecular consequence: missense variant.
Genome position (GRCh38, 1-based): chrX:32,501,812, T>C on the plus strand (A>G on the coding strand, the complement: DMD is on the minus strand). VCF-style: chrX-32501812-T-C. GRCh37 (hg19) VCF-style: chrX-32519929-T-C.
Other names: c.2299A>G, p.Arg767Gly (NM_000109.4); c.2311A>G, p.Arg771Gly (NM_004009.3); c.1954A>G, p.Arg652Gly (NM_004010.3); short protein forms R775G, R767G, R652G, R771G.
Identifiers: ClinVar variation 263717 (VCV000263717.19), dbSNP rs886038905, ClinGen allele CA10587978.

ClinVar aggregate classification (germline): Conflicting classifications of pathogenicity. Review status: criteria provided, conflicting classifications (1 of 4 stars). 6 submissions from 6 submitters: Uncertain significance (3); Benign (1); Likely benign (1). 1 of the submissions does not count toward it. Last evaluated 2026-03-01.

Conditions:
Cardiomyopathy (CMYO). Also called: Cardiomyopathies. Identifiers: Orphanet 167848, MedGen C0878544, MONDO:0004994, HP:0001638. Inheritance: Various modes of inheritance.
Becker muscular dystrophy (BMD). Also called: MUSCULAR DYSTROPHY, PSEUDOHYPERTROPHIC PROGRESSIVE, BECKER TYPE; Becker Muscular Dystrophy (BMD). Identifiers: Orphanet 98895, MedGen C0917713, MONDO:0010311, OMIM 300376.
Duchenne muscular dystrophy (DMD). Also called: Duchenne Muscular Dystrophy (DMD); MUSCULAR DYSTROPHY, PSEUDOHYPERTROPHIC PROGRESSIVE, DUCHENNE TYPE. Identifiers: Orphanet 98896, MedGen C0013264, MONDO:0010679, OMIM 310200.
Dystrophin deficiency.
Cardiovascular phenotype. Identifiers: MedGen CN230736.
Dilated cardiomyopathy 3B (CMD3B). Also called: CMD3B: DMD-Related Dilated Cardiomyopathy; CARDIOMYOPATHY, DILATED, X-LINKED; DMD-Associated Dilated Cardiomyopathy. Identifiers: Orphanet 154, MedGen C3668940, MONDO:0010542, OMIM 302045.

Allele frequency attached by ClinVar (database versions not stated): gnomAD exomes 0.00001 and 0.00003; gnomAD 0.00003; TOPMed 0.00003.
gnomAD v4.1: 37 of 1,206,873 alleles (0.0031%); highest among the groups gnomAD compares: Non-Finnish European, 0.0026%; no homozygotes.

Submissions (6):

CeGaT Center for Human Genetics Tuebingen
Classification: Likely benign. Last evaluated: 2026-03-01. Review status: criteria provided, single submitter. Criteria: CeGaT Center For Human Genetics Tuebingen Variant Classification Criteria Version 2. Collection method: clinical testing. Allele origin: germline. Affected: yes. Observed: 1 variant allele.
Comment: DMD: BS2

Labcorp Genetics (formerly Invitae), Labcorp
Classification: Benign for Duchenne muscular dystrophy. Last evaluated: 2025-12-26. Review status: criteria provided, single submitter. Criteria: Invitae Variant Classification Sherloc (09022015). Collection method: clinical testing. Allele origin: germline.

Ambry Genetics
Classification: Uncertain significance for Cardiovascular phenotype. Last evaluated: 2024-07-09. Review status: criteria provided, single submitter. Criteria: Ambry Variant Classification Scheme 2023. Collection method: clinical testing. Allele origin: germline.
Comment: The p.R775G variant (also known as c.2323A>G), located in coding exon 19 of the DMD gene, results from an A to G substitution at nucleotide position 2323. The arginine at codon 775 is replaced by glycine, an amino acid with dissimilar properties. Based on data from gnomAD, the G allele has an overall frequency of <0.01% (2/176938) total alleles studied, with 0 hemizygote(s) observed. The highest observed frequency was 0.01% (1/7374) of Ashkenazi Jewish alleles. This amino acid position is highly conserved in available vertebrate species. In addition, this alteration is predicted to be tolerated by in silico analysis. Since supporting evidence is limited at this time, the clinical significance of this alteration remains unclear.

Fulgent Genetics
Classification: Uncertain significance for Becker muscular dystrophy; Dilated cardiomyopathy 3B; Duchenne muscular dystrophy. Last evaluated: 2022-02-01. Review status: criteria provided, single submitter. Criteria: ACMG Guidelines, 2015. Collection method: clinical testing. Allele origin: unknown.

Eurofins Ntd Llc (ga)
Classification: Uncertain significance. Last evaluated: 2016-09-14. Review status: criteria provided, single submitter. Criteria: EGL Classification Definitions 2015. Collection method: clinical testing. Allele origin: germline. Observed: 1 variant allele, 1 heterozygote.

Natera, Inc.
Classification: Uncertain significance for Becker muscular dystrophy; Cardiomyopathy; Duchenne muscular dystrophy; Dystrophin deficiency. Last evaluated: 2018-09-26. Review status: no assertion criteria provided. Collection method: clinical testing. Allele origin: germline. Not counted in ClinVar's aggregate classification.